The following is an entry in ClinVar:

ClinVar aggregate classification (germline): Uncertain significance (1 of 4 stars; one submission).

Allele frequency attached by ClinVar (database versions not stated): ExAC 0.00001; gnomAD 0.00001; TOPMed 0.00002.
gnomAD v4.1: 5 of 1,599,550 alleles (0.00031%); highest among the groups gnomAD compares: Non-Finnish European, 0.00043%; no homozygotes.

Submission:

Labcorp Genetics (formerly Invitae), Labcorp
Classification: Uncertain significance. Last evaluated: 2024-02-23. Review status: criteria provided, single submitter. Criteria: Invitae Variant Classification Sherloc (09022015). Collection method: clinical testing. Allele origin: germline.
Comment: This sequence change replaces alanine, which is neutral and non-polar, with aspartic acid, which is acidic and polar, at codon 12 of the PRDX1 protein (p.Ala12Asp). This variant is present in population databases (rs762465464, gnomAD 0.002%). This variant has not been reported in the literature in individuals affected with PRDX1-related conditions. ClinVar contains an entry for this variant (Variation ID: 1964602). An algorithm developed to predict the effect of missense changes on protein structure and function (PolyPhen-2) suggests that this variant is likely to be disruptive. In summary, the available evidence is currently insufficient to determine the role of this variant in disease. Therefore, it has been classified as a Variant of Uncertain Significance.

NM_181697.3(PRDX1):c.35C>A (p.Ala12Asp)

Gene: PRDX1 (peroxiredoxin 1; minus strand). Cytogenetic location: 1p34.1.
Variant type: single nucleotide variant.
Coding change: c.35C>A on transcript NM_181697.3 (MANE Select); coding-DNA position 35, C replaced by A.
Protein change: p.Ala12Asp; replaces alanine 12 with aspartic acid.
Molecular consequence: missense variant.
Genome position (GRCh38, 1-based): chr1:45,519,009, G>T on the plus strand (C>A on the coding strand, the complement: PRDX1 is on the minus strand). VCF-style: chr1-45519009-G-T. GRCh37 (hg19) VCF-style: chr1-45984681-G-T.
Other names: c.35C>A, p.Ala12Asp (NM_001202431.2, NM_002574.4, NM_181696.3); short protein forms A12D.
Identifiers: ClinVar variation 1964602 (VCV001964602.4), dbSNP rs762465464, ClinGen allele CA828101.
Genomic context (GRCh38, chr1:45,519,009, plus strand): 5'-GACAGGCTGATATCTTTAAACTGACCATCTGGCATAACAGCTGTGGCTTTGAAGTTGGGG[G>T]CAGGGTGCCCAATTTTAGCATTTCCTGAAGACATCTTCCTATCAGCTAGAAATAACAGAA-3'
Protein context (NP_859048.1, residues 2-22): SSGNAKIGHP[Ala12Asp]PNFKATAVMP